The following is an entry in ClinVar:

ClinVar aggregate classification (germline): Uncertain significance (1 of 4 stars; one submission).

Submission:

GeneDx
Classification: Uncertain significance. Last evaluated: 2024-11-25. Review status: criteria provided, single submitter. Criteria: GeneDx Variant Classification Process June 2021. Collection method: clinical testing. Allele origin: germline. Affected: yes.
Comment: Not observed at significant frequency in large population cohorts (gnomAD); In silico analysis supports that this missense variant has a deleterious effect on protein structure/function; Has not been previously published as pathogenic or benign to our knowledge.

NM_170606.3(KMT2C):c.3260G>C (p.Cys1087Ser)

Gene: KMT2C (lysine methyltransferase 2C; minus strand). Cytogenetic location: 7q36.1.
Variant type: single nucleotide variant.
Coding change: c.3260G>C on transcript NM_170606.3 (MANE Select); coding-DNA position 3260, G replaced by C.
Protein change: p.Cys1087Ser; replaces cysteine 1087 with serine.
Molecular consequence: missense variant.
Genome position (GRCh38, 1-based): chr7:152,224,078, C>G on the plus strand (G>C on the coding strand, the complement: KMT2C is on the minus strand). VCF-style: chr7-152224078-C-G. GRCh37 (hg19) VCF-style: chr7-151921163-C-G.
Other names: short protein forms C1087S.
Identifiers: ClinVar variation 3900094 (VCV003900094.1).